The following is an entry in ClinVar:

ClinVar aggregate classification (germline): Likely benign (1 of 4 stars; one submission).

Allele frequency attached by ClinVar (database versions not stated): 1000 Genomes Project 30x 0.00094; gnomAD 0.00201; ESP Exome Variant Server 0.00256; 1000 Genomes Project 0.00359; ExAC 0.00506; gnomAD exomes 0.01286.
gnomAD v4.1: 14,189 of 1,227,000 alleles (1.2%); highest among the groups gnomAD compares: Middle Eastern, 2%; 5,365 homozygotes.

Submission:

CeGaT Center for Human Genetics Tuebingen
Classification: Likely benign. Last evaluated: 2023-03-01. Review status: criteria provided, single submitter. Criteria: CeGaT Center For Human Genetics Tuebingen Variant Classification Criteria Version 2. Collection method: clinical testing. Allele origin: germline. Affected: yes. Observed: 1 variant allele.
Comment: SPDYE5: BP4, BS2

NM_001306141.4(SPDYE5):c.909C>A (p.Arg303=)

Gene: SPDYE5 (speedy/RINGO cell cycle regulator family member E5; plus strand). Cytogenetic location: 7q11.23.
Variant type: single nucleotide variant.
Coding change: c.909C>A on transcript NM_001306141.4 (MANE Select); coding-DNA position 909, C replaced by A.
Protein change: p.Arg303=; no amino-acid change (arginine 303 retained).
Molecular consequence: synonymous variant.
Genome position (GRCh38, 1-based): chr7:75,501,515, C>A. VCF-style: chr7-75501515-C-A. GRCh37 (hg19) VCF-style: chr7-75130839-C-A.
Identifiers: ClinVar variation 2657614 (VCV002657614.24), dbSNP rs199741660, ClinGen allele CA4301301.